The following is an entry in ClinVar:

ClinVar aggregate classification (germline): Uncertain significance. Review status: criteria provided, multiple submitters, no conflicts (2 of 4 stars). 3 submissions from 3 submitters: Uncertain significance (3). Last evaluated 2025-04-04.

Conditions:
Pierson syndrome. Also called: MICROCORIA-CONGENITAL NEPHROTIC SYNDROME. Identifiers: Orphanet 2670, MedGen C1836876, MONDO:0012184, OMIM 609049.
LAMB2-related infantile-onset nephrotic syndrome. Also called: Nephrotic Syndrome, type 5; NEPHROTIC SYNDROME, TYPE 5, WITHOUT OCULAR ABNORMALITIES; NEPHROTIC SYNDROME, TYPE 5, WITH OCULAR ABNORMALITIES. Identifiers: Orphanet 306507, MedGen C3280113, MONDO:0013621, OMIM 614199.
Inborn genetic diseases. Identifiers: MedGen C0950123, MeSH D030342.

Allele frequency attached by ClinVar (database versions not stated): gnomAD exomes below 0.00001 and 0.00001; gnomAD 0.00001; ExAC 0.00002; TOPMed 0.00002.
gnomAD v4.1: 7 of 1,614,024 alleles (0.00043%); highest among the groups gnomAD compares: Non-Finnish European, 0.00059%; no homozygotes.

Submissions (3):

Ambry Genetics
Classification: Uncertain significance for Inborn genetic diseases. Last evaluated: 2025-04-04. Review status: criteria provided, single submitter. Criteria: Ambry Variant Classification Scheme 2023. Collection method: clinical testing. Allele origin: germline.

Labcorp Genetics (formerly Invitae), Labcorp
Classification: Uncertain significance for LAMB2-related infantile-onset nephrotic syndrome; Pierson syndrome. Last evaluated: 2022-02-24. Review status: criteria provided, single submitter. Criteria: Invitae Variant Classification Sherloc (09022015). Collection method: clinical testing. Allele origin: germline.
Comment: This sequence change replaces tyrosine, which is neutral and polar, with cysteine, which is neutral and slightly polar, at codon 777 of the LAMB2 protein (p.Tyr777Cys). This variant is present in population databases (rs772581224, gnomAD 0.003%). This variant has not been reported in the literature in individuals affected with LAMB2-related conditions. ClinVar contains an entry for this variant (Variation ID: 648562). Algorithms developed to predict the effect of missense changes on protein structure and function are either unavailable or do not agree on the potential impact of this missense change (SIFT: "Deleterious"; PolyPhen-2: "Benign"; Align-GVGD: "Class C25"). In summary, the available evidence is currently insufficient to determine the role of this variant in disease. Therefore, it has been classified as a Variant of Uncertain Significance.

Fulgent Genetics
Classification: Uncertain significance for Pierson syndrome; LAMB2-related infantile-onset nephrotic syndrome. Last evaluated: 2022-02-07. Review status: criteria provided, single submitter. Criteria: ACMG Guidelines, 2015. Collection method: clinical testing. Allele origin: unknown.

NM_002292.4(LAMB2):c.2330A>G (p.Tyr777Cys)

Gene: LAMB2 (laminin subunit beta 2; minus strand). Cytogenetic location: 3p21.31.
Variant type: single nucleotide variant.
Coding change: c.2330A>G on transcript NM_002292.4 (MANE Select); coding-DNA position 2330, A replaced by G.
Protein change: p.Tyr777Cys; replaces tyrosine 777 with cysteine.
Molecular consequence: missense variant.
Genome position (GRCh38, 1-based): chr3:49,125,981, T>C on the plus strand (A>G on the coding strand, the complement: LAMB2 is on the minus strand). VCF-style: chr3-49125981-T-C. GRCh37 (hg19) VCF-style: chr3-49163414-T-C.
Other names: short protein forms Y777C.
Identifiers: ClinVar variation 648562 (VCV000648562.8), dbSNP rs772581224, ClinGen allele CA2394332.